The following is an entry in ClinVar:

ClinVar aggregate classification (germline): Pathogenic (1 of 4 stars; one submission).

Submission:

Labcorp Genetics (formerly Invitae), Labcorp
Classification: Pathogenic. Last evaluated: 2022-07-11. Review status: criteria provided, single submitter. Criteria: Invitae Variant Classification Sherloc (09022015). Collection method: clinical testing. Allele origin: germline.
Comment: This sequence change creates a premature translational stop signal (p.Gln188*) in the ARFGEF2 gene. It is expected to result in an absent or disrupted protein product. Loss-of-function variants in ARFGEF2 are known to be pathogenic (PMID: 14647276, 25160555). For these reasons, this variant has been classified as Pathogenic. Algorithms developed to predict the effect of sequence changes on RNA splicing suggest that this variant may disrupt the consensus splice site. This variant has not been reported in the literature in individuals affected with ARFGEF2-related conditions. This variant is not present in population databases (gnomAD no frequency).

Literature cited by the submitters: PubMed 14647276; PubMed 25160555.

NM_006420.3(ARFGEF2):c.562C>T (p.Gln188Ter)

Gene: ARFGEF2 (ARF guanine nucleotide exchange factor 2; plus strand). Cytogenetic location: 20q13.13.
Variant type: single nucleotide variant.
Coding change: c.562C>T on transcript NM_006420.3 (MANE Select); coding-DNA position 562, C replaced by T.
Protein change: p.Gln188Ter; replaces glutamine 188 with a stop codon.
Molecular consequence: nonsense.
Genome position (GRCh38, 1-based): chr20:48,952,843, C>T. VCF-style: chr20-48952843-C-T. GRCh37 (hg19) VCF-style: chr20-47569380-C-T.
Other names: c.562C>T, p.Gln188Ter (NM_001410846.1); short protein forms Q188*.
Identifiers: ClinVar variation 2004841 (VCV002004841.4), dbSNP rs2516043040, ClinGen allele CA409318984.